The following is an entry in ClinVar:

NM_023110.3(FGFR1):c.2051G>C (p.Trp684Ser)

Gene: FGFR1 (fibroblast growth factor receptor 1; minus strand). Cytogenetic location: 8p11.23.
Variant type: single nucleotide variant.
Coding change: c.2051G>C on transcript NM_023110.3 (MANE Select); coding-DNA position 2051, G replaced by C.
Protein change: p.Trp684Ser; replaces tryptophan 684 with serine.
Molecular consequence: missense variant.
Genome position (GRCh38, 1-based): chr8:38,414,287, C>G on the plus strand (G>C on the coding strand, the complement: FGFR1 is on the minus strand). VCF-style: chr8-38414287-C-G. GRCh37 (hg19) VCF-style: chr8-38271805-C-G.
Other names: c.2051G>C, p.Trp684Ser (NM_000604.2); c.2045G>C, p.Trp682Ser (NM_001174063.2, NM_001174065.2, NM_001354367.2 and 1 more transcripts); c.2021G>C, p.Trp674Ser (NM_001174064.2); c.1784G>C, p.Trp595Ser (NM_001174066.2, NM_023105.3); c.2144G>C, p.Trp715Ser (NM_001174067.2); c.1772G>C, p.Trp591Ser (NM_001354368.2); c.2039G>C, p.Trp680Ser (NM_001354369.2, NM_001410922.1); c.1778G>C, p.Trp593Ser (NM_001354370.2, NM_023106.3); short protein forms W591S, W593S, W595S, W674S, W680S, W682S, W684S, W715S.
Identifiers: ClinVar variation 2637589 (VCV002637589.4), dbSNP rs2150537586, ClinGen allele CA370729180.

ClinVar aggregate classification (germline): Uncertain significance. Review status: criteria provided, multiple submitters, no conflicts (2 of 4 stars). 2 submissions from 2 submitters: Uncertain significance (2). Last evaluated 2023-10-31.

Conditions:
Hypogonadotropic hypogonadism 2 with or without anosmia (HH2). Also called: HYPOGONADOTROPIC HYPOGONADISM 2 WITHOUT ANOSMIA; HYPOGONADOTROPIC HYPOGONADISM 2 WITH OR WITHOUT ANOSMIA, SUSCEPTIBILITY TO; HYPOGONADOTROPIC HYPOGONADISM 2 WITHOUT ANOSMIA, SUSCEPTIBILITY TO; FGFR1-Related GnRH Deficiency (Kallmann Syndrome 2). Identifiers: Orphanet 478, MedGen C1563720, MONDO:0007844, OMIM 147950. Disease mechanism: loss of function.
Pfeiffer syndrome (ACS5). Also called: ACS V. Identifiers: Orphanet 710, MedGen C0220658, MONDO:0007043, OMIM 101600.

Submissions (2):

Women's Health and Genetics/Laboratory Corporation of America, LabCorp
Classification: Uncertain significance. Last evaluated: 2023-10-31. Review status: criteria provided, single submitter. Criteria: LabCorp Variant Classification Summary - May 2015. Collection method: clinical testing. Allele origin: germline.
Comment: Variant summary: FGFR1 c.2051G>C (p.Trp684Ser) results in a non-conservative amino acid change located in the protein kinase domain (IPR000719) of the encoded protein sequence. Five of five in-silico tools predict a damaging effect of the variant on protein function. The variant was absent in 248772 control chromosomes (gnomAD). The available data on variant occurrences in the general population are insufficient to allow any conclusion about variant significance. To our knowledge, no occurrence of c.2051G>C in individuals affected with FGFR1-Related Disorders and no experimental evidence demonstrating its impact on protein function have been reported. No submitters have reported clinical-significance assessments for this variant to ClinVar after 2014. Based on the evidence outlined above, the variant was classified as uncertain significance.

Labcorp Genetics (formerly Invitae), Labcorp
Classification: Uncertain significance for Pfeiffer syndrome; Hypogonadotropic hypogonadism 2 with or without anosmia. Last evaluated: 2022-11-14. Review status: criteria provided, single submitter. Criteria: Invitae Variant Classification Sherloc (09022015). Collection method: clinical testing. Allele origin: germline.
Comment: This sequence change replaces tryptophan, which is neutral and slightly polar, with serine, which is neutral and polar, at codon 684 of the FGFR1 protein (p.Trp684Ser). This variant is not present in population databases (gnomAD no frequency). This variant has not been reported in the literature in individuals affected with FGFR1-related conditions. Algorithms developed to predict the effect of missense changes on protein structure and function are either unavailable or do not agree on the potential impact of this missense change (SIFT: "Deleterious"; PolyPhen-2: "Probably Damaging"; Align-GVGD: "Class C15"). In summary, the available evidence is currently insufficient to determine the role of this variant in disease. Therefore, it has been classified as a Variant of Uncertain Significance.